The following is an entry in ClinVar:

NM_001330311.2(DVL1):c.768G>A (p.Met256Ile)

Gene: DVL1 (dishevelled segment polarity protein 1; minus strand). Cytogenetic location: 1p36.33.
Variant type: single nucleotide variant.
Coding change: c.768G>A on transcript NM_001330311.2 (MANE Select); coding-DNA position 768, G replaced by A.
Protein change: p.Met256Ile; replaces methionine 256 with isoleucine.
Molecular consequence: missense variant.
Genome position (GRCh38, 1-based): chr1:1,340,248, C>T on the plus strand (G>A on the coding strand, the complement: DVL1 is on the minus strand). VCF-style: chr1-1340248-C-T. GRCh37 (hg19) VCF-style: chr1-1275628-C-T.
Other names: c.768G>A, p.Met256Ile (NM_004421.3); short protein forms M256I.
Identifiers: ClinVar variation 1355000 (VCV001355000.8), dbSNP rs148469831, ClinGen allele CA520444.
Genomic context (GRCh38, chr1:1,340,248, plus strand): 5'-AGCCATGAGCCGCGGCCAAGCCCCTGCCCCTGCCCCCAACCCTCGCCCCGAGGCCTCACC[C>T]ATGTTGAGCGTGACAGTGACGATGTTGAGGGACATGGTGGAGTCGGTTATGCTGCTGAAG-3'
Protein context (NP_001317240.1, residues 246-266): SLNIVTVTLN[Met256Ile]ERHHFLGISI

ClinVar aggregate classification (germline): Uncertain significance (1 of 4 stars; one submission).

Allele frequency attached by ClinVar (database versions not stated): ESP Exome Variant Server 0.00008.
gnomAD v4.1: 2 of 1,614,004 alleles (0.00012%); highest among the groups gnomAD compares: African/African-American, 0.0013%; no homozygotes.

Submission:

Labcorp Genetics (formerly Invitae), Labcorp
Classification: Uncertain significance. Last evaluated: 2021-05-18. Review status: criteria provided, single submitter. Criteria: Invitae Variant Classification Sherloc (09022015). Collection method: clinical testing. Allele origin: germline.
Comment: This variant is present in population databases (rs148469831, ExAC 0.01%). This sequence change replaces methionine with isoleucine at codon 256 of the DVL1 protein (p.Met256Ile). The methionine residue is highly conserved and there is a small physicochemical difference between methionine and isoleucine. In summary, the available evidence is currently insufficient to determine the role of this variant in disease. Therefore, it has been classified as a Variant of Uncertain Significance. Algorithms developed to predict the effect of sequence changes on RNA splicing suggest that this variant may create or strengthen a splice site, but this prediction has not been confirmed by published transcriptional studies. Algorithms developed to predict the effect of missense changes on protein structure and function are either unavailable or do not agree on the potential impact of this missense change (SIFT: "Deleterious"; PolyPhen-2: "Benign"; Align-GVGD: "Class C0"). This variant has not been reported in the literature in individuals with DVL1-related conditions.